The following is an entry in ClinVar:

ClinVar aggregate classification (germline): Uncertain significance (1 of 4 stars; one submission).

Submission:

Labcorp Genetics (formerly Invitae), Labcorp
Classification: Uncertain significance. Last evaluated: 2022-08-03. Review status: criteria provided, single submitter. Criteria: Invitae Variant Classification Sherloc (09022015). Collection method: clinical testing. Allele origin: germline.
Comment: This sequence change replaces serine, which is neutral and polar, with asparagine, which is neutral and polar, at codon 1783 of the LAMB1 protein (p.Ser1783Asn). In summary, the available evidence is currently insufficient to determine the role of this variant in disease. Therefore, it has been classified as a Variant of Uncertain Significance. Algorithms developed to predict the effect of missense changes on protein structure and function (SIFT, PolyPhen-2, Align-GVGD) all suggest that this variant is likely to be disruptive. This variant has not been reported in the literature in individuals affected with LAMB1-related conditions. This variant is not present in population databases (gnomAD no frequency).

NM_002291.3(LAMB1):c.5348G>A (p.Ser1783Asn)

Gene: LAMB1 (laminin subunit beta 1; minus strand). Cytogenetic location: 7q31.1.
Variant type: single nucleotide variant.
Coding change: c.5348G>A on transcript NM_002291.3 (MANE Select); coding-DNA position 5348, G replaced by A.
Protein change: p.Ser1783Asn; replaces serine 1783 with asparagine.
Molecular consequence: missense variant.
Genome position (GRCh38, 1-based): chr7:107,923,964, C>T on the plus strand (G>A on the coding strand, the complement: LAMB1 is on the minus strand). VCF-style: chr7-107923964-C-T. GRCh37 (hg19) VCF-style: chr7-107564409-C-T.
Other names: short protein forms S1783N.
Identifiers: ClinVar variation 1976810 (VCV001976810.5), dbSNP rs767997731, ClinGen allele CA164264366.